The following is an entry in ClinVar:

ClinVar aggregate classification (germline): Uncertain significance (1 of 4 stars; one submission).

Conditions:
Hereditary cancer-predisposing syndrome. Also called: Neoplastic Syndromes, Hereditary; Tumor predisposition; Hereditary Cancer Syndrome; Hereditary neoplastic syndrome. Identifiers: Orphanet 140162, MedGen C0027672, MeSH D009386, MONDO:0015356.

Submission:

Ambry Genetics
Classification: Uncertain significance for Hereditary cancer-predisposing syndrome. Last evaluated: 2026-01-16. Review status: criteria provided, single submitter. Criteria: Ambry Variant Classification Scheme 2023. Collection method: clinical testing. Allele origin: germline.
Comment: The p.K862T variant (also known as c.2585A>C), located in coding exon 6 of the PALB2 gene, results from an A to C substitution at nucleotide position 2585. The lysine at codon 862 is replaced by threonine, an amino acid with similar properties. This amino acid position is highly conserved in available vertebrate species. In addition, this alteration is predicted to be tolerated by in silico analysis. Based on the available evidence, the clinical significance of this variant remains unclear.

NM_024675.4(PALB2):c.2585A>C (p.Lys862Thr)

Gene: PALB2 (partner and localizer of BRCA2; minus strand). Cytogenetic location: 16p12.2.
Variant type: single nucleotide variant.
Coding change: c.2585A>C on transcript NM_024675.4 (MANE Select); coding-DNA position 2585, A replaced by C.
Protein change: p.Lys862Thr; replaces lysine 862 with threonine.
Molecular consequence: missense variant. On other transcripts: intron variant (1).
Genome position (GRCh38, 1-based): chr16:23,629,205, T>G on the plus strand (A>C on the coding strand, the complement: PALB2 is on the minus strand). VCF-style: chr16-23629205-T-G. GRCh37 (hg19) VCF-style: chr16-23640526-T-G.
Other names: c.2525A>C, p.Lys842Thr (NM_001407296.1); c.2585A>C, p.Lys862Thr (NM_001407298.1, NM_001407299.1, NM_001407300.1 and 2 more transcripts); c.1700A>C, p.Lys567Thr (NM_001407304.1, NM_001407305.1, NM_001407306.1 and 5 more transcripts); c.797A>C, p.Lys266Thr (NM_001407312.1, NM_001407313.1); c.119A>C, p.Lys40Thr (NM_001407314.1); c.2514+435A>C (NM_001407297.1); short protein forms K266T, K842T, K567T, K40T, K862T.
Identifiers: ClinVar variation 4841304 (VCV004841304.1).